The following is an entry in ClinVar:

ClinVar aggregate classification (germline): Uncertain significance (1 of 4 stars; one submission).

Conditions:
Leukodystrophy, hypomyelinating, 16. Identifiers: MedGen C4693779, MONDO:0054791, OMIM 617964.

Submission:

Neuberg Centre For Genomic Medicine, NCGM
Classification: Uncertain significance for Leukodystrophy, hypomyelinating, 16. Last evaluated: 2023-05-20. Review status: criteria provided, single submitter. Criteria: ACMG Guidelines, 2015. Collection method: clinical testing. Allele origin: germline. Inheritance: Autosomal dominant inheritance. Affected: yes.
Comment: The observed missense variant c.322C>G (p.Leu108Val) in TMEM106B gene has not been reported previously as a pathogenic variant nor as a benign variant, to our knowledge. The p.Leu108Val variant is absent in gnomAD Exomes. This variant has not been submitted to the ClinVar database. Multiple lines of computational evidence (Polyphen - Benign, SIFT - Tolerated and Mutation Taster - Disease causing) predicts conflicting evidence on protein structure and function for this variant. The amino acid change p.Leu108Val in TMEM106B is predicted as conserved by GERP++ and PhyloP across 100 vertebrates. The amino acid Leu at position 108 is changed to a Val changing protein sequence and it might alter its composition and physico-chemical properties. For these reasons, this variant has been classified as Variant of Uncertain Significance (VUS).

NM_001134232.2(TMEM106B):c.322C>G (p.Leu108Val)

Gene: TMEM106B (transmembrane protein 106B; plus strand). Cytogenetic location: 7p21.3.
Variant type: single nucleotide variant.
Coding change: c.322C>G on transcript NM_001134232.2 (MANE Select); coding-DNA position 322, C replaced by G.
Protein change: p.Leu108Val; replaces leucine 108 with valine.
Molecular consequence: missense variant.
Genome position (GRCh38, 1-based): chr7:12,224,266, C>G. VCF-style: chr7-12224266-C-G. GRCh37 (hg19) VCF-style: chr7-12263892-C-G.
Other names: c.322C>G, p.Leu108Val (NM_018374.4); short protein forms L108V.
Identifiers: ClinVar variation 3341382 (VCV003341382.1).
Genomic context (GRCh38, chr7:12,224,266, plus strand): 5'-TACCCTCTTTTCCTTTTCAGAAAGCTGTATGTGATGGCTTCTGTGTTTGTCTGTCTACTC[C>G]TTTCTGGATTGGCTGTGTTTTTCCTTTTCCCTCGCTCTATCGACGTGAAATACATTGGTG-3'
Protein context (NP_001127704.1, residues 98-118): VMASVFVCLL[Leu108Val]SGLAVFFLFP